The following is an entry in ClinVar:

NC_000023.11:g.103181712T>C

Variant type: single nucleotide variant.
Genome position: GRCh38 VCF-style: chrX-103181712-T-C. GRCh37 (hg19) VCF-style: chrX-102436640-T-C.
Identifiers: ClinVar variation 691856 (VCV000691856.2), dbSNP rs12854542, ClinGen allele CA333957376.

ClinVar aggregate classification (germline): Benign (0 of 4 stars; one submission).

Submission:

Lupski Lab, Baylor-Hopkins CMG, Baylor College of Medicine
Classification: Benign. Review status: no assertion criteria provided. Collection method: research. Allele origin: unknown. Observed: 1 variant allele.